The following is an entry in ClinVar:

ClinVar aggregate classification (germline): Likely benign. Review status: criteria provided, multiple submitters, no conflicts (2 of 4 stars). 2 submissions from 2 submitters: Likely benign (2). Last evaluated 2025-10-15.

Conditions:
DST-related disorder. Also called: DST-related condition; DST-related disorders.
Epidermolysis bullosa simplex 3, localized or generalized intermediate, with BP230 deficiency (EBS3). Also called: Epidermolysis bullosa simplex, autosomal recessive 2; Epidermolysis bullosa simplex due to BP230 deficiency. Identifiers: Orphanet 412181, MedGen C3809470, MONDO:0014180, OMIM 615425.
Hereditary sensory and autonomic neuropathy type 6. Also called: HSAN VI; Neuropathy, hereditary sensory and autonomic, type VI. Identifiers: Orphanet 314381, MedGen C3539003, MONDO:0013839, OMIM 614653.

Allele frequency attached by ClinVar (database versions not stated): gnomAD exomes 0.00006 and 0.00014; ExAC 0.00012; gnomAD 0.00002; TOPMed 0.00002.
gnomAD v4.1: 42 of 1,612,750 alleles (0.0026%); highest among the groups gnomAD compares: Admixed American, 0.065%; no homozygotes.

Submissions (2):

PreventionGenetics, part of Exact Sciences
Classification: Likely benign for DST-related condition. Last evaluated: 2025-10-15. Review status: criteria provided, single submitter. Criteria: ACMG Guidelines, 2015. Collection method: clinical testing. Allele origin: germline.
Comment: This variant is classified as likely benign based on ACMG/AMP sequence variant interpretation guidelines (Richards et al. 2015 PMID: 25741868, with internal and published modifications).

Labcorp Genetics (formerly Invitae), Labcorp
Classification: Likely benign for Epidermolysis bullosa simplex 3, localized or generalized intermediate, with BP230 deficiency; Hereditary sensory and autonomic neuropathy type 6. Last evaluated: 2024-10-22. Review status: criteria provided, single submitter. Criteria: Invitae Variant Classification Sherloc (09022015). Collection method: clinical testing. Allele origin: germline.

NM_001374736.1(DST):c.4851A>G (p.Arg1617=)

Gene: DST (dystonin; minus strand). Cytogenetic location: 6p12.1.
Variant type: single nucleotide variant.
Coding change: c.4851A>G on transcript NM_001374736.1 (MANE Select); coding-DNA position 4851, A replaced by G.
Protein change: p.Arg1617=; no amino-acid change (arginine 1617 retained).
Molecular consequence: synonymous variant.
Genome position (GRCh38, 1-based): chr6:56,624,608, T>C on the plus strand (A>G on the coding strand, the complement: DST is on the minus strand). VCF-style: chr6-56624608-T-C. GRCh37 (hg19) VCF-style: chr6-56489406-T-C.
Other names: c.4752A>G, p.Arg1584= (NM_001144769.5); c.4338A>G, p.Arg1446= (NM_001144770.2); c.4851A>G, p.Arg1617= (NM_001374722.1); c.4218A>G, p.Arg1406= (NM_001374729.1, NM_001374730.1, NM_001386100.1 and 1 more transcripts); c.4878A>G, p.Arg1626= (NM_001374734.1); c.3240A>G, p.Arg1080= (NM_001723.7, NM_015548.5).
Identifiers: ClinVar variation 474519 (VCV000474519.13), dbSNP rs762100685, ClinGen allele CA3870775.
Genomic context (GRCh38, chr6:56,624,608, plus strand): 5'-CTTCAATGAATCACCAGCAAATTTAATATATTGTGTCATGAGAGTGACCAGGGCAGTATA[T>C]CGAGTCCTTAGGTCCATGAACTGCAAGTAAGGAAAAAAATAATAAAAGCATTACCTCCAG-3'
Protein context (NP_001361665.1, residues 1607-1627): IIQEFMDLRT[Arg1617=]YTALVTLMTQ